The following is an entry in ClinVar:

ClinVar aggregate classification (germline): Uncertain significance (1 of 4 stars; one submission).

Conditions:
Deficiency of ferroxidase (ACEP). Also called: Ceruloplasmin deficiency; Familial apoceruloplasmin deficiency; Hereditary ceruloplasmin deficiency; NEURODEGENERATION WITH BRAIN IRON ACCUMULATION 10; Aceruloplasminemia; Deficiency of ceruloplasmin. Identifiers: Orphanet 48818, MedGen C0878682, MONDO:0011426, OMIM 604290, HP:0025498.

Allele frequency attached by ClinVar (database versions not stated): gnomAD 0.00001.
gnomAD v4.1: 1 of 1,609,986 alleles (0.000062%); highest among the groups gnomAD compares: Non-Finnish European, 0.000085%; no homozygotes.

Submission:

Labcorp Genetics (formerly Invitae), Labcorp
Classification: Uncertain significance for Deficiency of ferroxidase. Last evaluated: 2022-05-18. Review status: criteria provided, single submitter. Criteria: Invitae Variant Classification Sherloc (09022015). Collection method: clinical testing. Allele origin: germline.
Comment: This sequence change replaces glycine, which is neutral and non-polar, with alanine, which is neutral and non-polar, at codon 27 of the CP protein (p.Gly27Ala). This variant is not present in population databases (gnomAD no frequency). This variant has not been reported in the literature in individuals affected with CP-related conditions. Algorithms developed to predict the effect of missense changes on protein structure and function (SIFT, PolyPhen-2, Align-GVGD) all suggest that this variant is likely to be tolerated. In summary, the available evidence is currently insufficient to determine the role of this variant in disease. Therefore, it has been classified as a Variant of Uncertain Significance.

NM_000096.4(CP):c.80G>C (p.Gly27Ala)

Gene: CP (ceruloplasmin; minus strand). Cytogenetic location: 3q25.1.
Variant type: single nucleotide variant.
Coding change: c.80G>C on transcript NM_000096.4 (MANE Select); coding-DNA position 80, G replaced by C.
Protein change: p.Gly27Ala; replaces glycine 27 with alanine.
Molecular consequence: missense variant. On other transcripts: non-coding transcript variant (1).
Genome position (GRCh38, 1-based): chr3:149,221,713, C>G on the plus strand (G>C on the coding strand, the complement: CP is on the minus strand). VCF-style: chr3-149221713-C-G. GRCh37 (hg19) VCF-style: chr3-148939500-C-G.
Other names: short protein forms G27A.
Identifiers: ClinVar variation 1996198 (VCV001996198.4), dbSNP rs1728821618, ClinGen allele CA354923334.